The following is an entry in ClinVar:

ClinVar aggregate classification (germline): Pathogenic (1 of 4 stars; one submission).

Submission:

Labcorp Genetics (formerly Invitae), Labcorp
Classification: Pathogenic. Last evaluated: 2025-12-11. Review status: criteria provided, single submitter. Criteria: Invitae Variant Classification Sherloc (09022015). Collection method: clinical testing. Allele origin: germline.
Comment: This sequence change creates a premature translational stop signal (p.Phe261Leufs*57) in the DYM gene. It is expected to result in an absent or disrupted protein product. Loss-of-function variants in DYM are known to be pathogenic (PMID: 12491225, 12554689, 18996921). This variant is not present in population databases (gnomAD no frequency). This variant has not been reported in the literature in individuals affected with DYM-related conditions. For these reasons, this variant has been classified as Pathogenic.

Literature cited by the submitters: PubMed 12491225; PubMed 12554689; PubMed 18996921.

NM_001353214.3(DYM):c.780dup (p.Phe261fs)

Gene: DYM (dymeclin; minus strand). Cytogenetic location: 18q21.1.
Variant type: Duplication.
Coding change: c.780dup on transcript NM_001353214.3 (MANE Select); coding-DNA position 780, one base duplicated (C; older notation c.780dupC).
Protein change: p.Phe261fs; shifts the reading frame from phenylalanine 261.
Molecular consequence: frameshift variant. On other transcripts: intron variant (1).
Genome position (GRCh38, 1-based): chr18:49,286,600, G duplicated on the plus strand (C on the coding strand, the reverse complement: DYM is on the minus strand). VCF-style (leftmost placement, unchanged base first): chr18-49286599-A-AG. GRCh37 (hg19) VCF-style: chr18-46812969-A-AG.
Other names: c.777dup, p.Phe260fs (NM_001353210.3, NM_001353211.3, NM_001353212.3 and 3 more transcripts); c.780dup, p.Phe261fs (NM_001353215.3, NM_001353216.3, NM_001374428.1 and 5 more transcripts); c.774dup, p.Phe259fs (NM_001374429.1, NM_001374439.1); c.654dup, p.Phe219fs (NM_001374432.1, NM_001374436.1); c.552dup, p.Phe185fs (NM_001374440.1); c.210dup, p.Phe71fs (NM_001374441.1, NM_001374442.1, NM_001374444.1); c.207dup, p.Phe70fs (NM_001374443.1); c.764-4425dup (NM_001374437.1); short protein forms F259fs, F219fs, F260fs, F71fs, F261fs, F185fs, F70fs.
Identifiers: ClinVar variation 4732562 (VCV004732562.1).